The following is an entry in ClinVar:

ClinVar aggregate classification (germline): Uncertain significance (1 of 4 stars; one submission).

Conditions:
ROR2-related disorder. Also called: ROR2-related disorders; ROR2-related condition.

gnomAD v4.1: 1 of 1,614,062 alleles (0.000062%); highest among the groups gnomAD compares: Non-Finnish European, 0.000085%; no homozygotes.

Submission:

PreventionGenetics, part of Exact Sciences
Classification: Uncertain significance for ROR2-related condition. Last evaluated: 2026-04-16. Review status: criteria provided, single submitter. Criteria: ACMG Guidelines, 2015. Collection method: clinical testing. Allele origin: germline.
Comment: The ROR2 c.2113A>G variant is predicted to result in the amino acid substitution p.Ile705Val. To our knowledge, this variant has not been reported in the literature or in a large population database (gnomAD), indicating this variant is rare. At this time, the clinical significance of this variant is uncertain due to the absence of conclusive functional and genetic evidence.

NM_004560.4(ROR2):c.2113A>G (p.Ile705Val)

Gene: ROR2 (ROR family WNT receptor 2; minus strand). Cytogenetic location: 9q22.31.
Variant type: single nucleotide variant.
Coding change: c.2113A>G on transcript NM_004560.4 (MANE Select); coding-DNA position 2113, A replaced by G.
Protein change: p.Ile705Val; replaces isoleucine 705 with valine.
Molecular consequence: missense variant.
Genome position (GRCh38, 1-based): chr9:91,724,381, T>C on the plus strand (A>G on the coding strand, the complement: ROR2 is on the minus strand). VCF-style: chr9-91724381-T-C. GRCh37 (hg19) VCF-style: chr9-94486663-T-C.
Other names: short protein forms I705V.
Identifiers: ClinVar variation 4980259 (VCV004980259.1).